The following is an entry in ClinVar:

NM_000329.3(RPE65):c.1088C>G (p.Pro363Arg)

Gene: RPE65 (retinoid isomerohydrolase RPE65; minus strand). Cytogenetic location: 1p31.3.
Variant type: single nucleotide variant.
Coding change: c.1088C>G on transcript NM_000329.3 (MANE Select); coding-DNA position 1088, C replaced by G.
Protein change: p.Pro363Arg; replaces proline 363 with arginine.
Molecular consequence: missense variant.
Genome position (GRCh38, 1-based): chr1:68,438,227, G>C on the plus strand (C>G on the coding strand, the complement: RPE65 is on the minus strand). VCF-style: chr1-68438227-G-C. GRCh37 (hg19) VCF-style: chr1-68903910-G-C.
Other names: NM_000329.3:c.1088C>G; c.1088C>G, p.Pro363Arg (NM_001406859.1); c.980C>G, p.Pro327Arg (NM_001406853.1); c.812C>G, p.Pro271Arg (NM_001406856.1, NM_001406857.1); short protein forms P271R, P327R, P363R.
Identifiers: ClinVar variation 4856785 (VCV004856785.2).

ClinVar aggregate classification (germline): Likely pathogenic. Review status: reviewed by expert panel (3 of 4 stars). 2 submissions from 2 submitters: Likely pathogenic (1). 1 of the submissions does not count toward it. Last evaluated 2026-06-23.

Conditions:
RPE65-related recessive retinopathy. Also called: Recessive RPE65 retinopathy. Identifiers: MedGen CN305526, MONDO:0100368.
RPE65-related disorder. Also called: RPE65-related condition; RPE65-related disorders. Identifiers: MedGen CN239301.

gnomAD v4.1: 2 of 1,613,958 alleles (0.00012%); highest among the groups gnomAD compares: Non-Finnish European, 0.000085%; no homozygotes.

Submissions (2):

ClinGen Leber Congenital Amaurosis/early Onset Retinal Dystrophy Variant Curation Expert Panel, ClinGen
Classification: Likely pathogenic for RPE65-related recessive retinopathy. Last evaluated: 2026-06-23. Review status: reviewed by expert panel. Criteria: ClinGen LCAeoRD ACMG Specifications RPE65 V1.0.0. Collection method: curation. Allele origin: germline. Inheritance: Autosomal recessive inheritance.
Comment: NM_000329.3(RPE65):c.1088C>G (p.Pro363Arg) is a missense variant in exon 10/14 that causes the replacement of proline with arginine at amino acid p.363. Another missense variant in the same codon, NM_000329.3(RPE65):c.1087C>A (p.Pro363Thr), has been classified as pathogenic for RPE65-related recessive retinopathy by the ClinGen LCA/eoRD VCEP (PM5, PMID:9326941, PMID: 26352687, PMID:16828753). Splicing prediction using SpliceAI did not strongly predict an effect on splicing due to either of these variants (PM5). NM_000329.3(RPE65):c.1088C>G (p.Pro363Arg) has been reported in at least 1 proband with early-onset severe retinal dystrophy/LCA who was compound heterozygous with the NM_000329.3(RPE65):c.11+5G>A variant, phase unknown (0.5 points, PMID: 26626312), which was previously classified pathogenic by the ClinGen LCA/eoRD VCEP (0.5 total points, PM3_Supporting). The variant is present in gnomAD v.4.1.0 at a total allele frequency of 0.000001239, with 2 alleles/1613958 total alleles in the European Finnish and non-Finnish population, which is lower than the ClinGen LCA/eoRD VCEP PM2_Supporting threshold of <0.0002 (PM2_Supporting). The computational predictor REVEL gives a score of 0.879, which is above the ClinGen LCA/eoRD VCEP threshold of ≥0.774 and predicts a damaging effect on RPE65 function. The splicing impact predictor SpliceAI gives a delta score of 0.07, which is below the ClinGen LCA/eoRD VCEP recommended threshold of <0.1 and does not predict an impact on splicing. (PP3_Moderate). At least one proband harboring this variant exhibits phenotypes including a clinical diagnosis of LCA (0.5 pts), an extinct ERG (0.5pts), congenital night blindness (0.5), absent blue autofluorescence (2pts), successful gene therapy as documented by FST (8 points), nystagmus (1pt), evidence of cone involvement on ffERG (1pt), pigmentary retinopathy with attenuated vessels (0.5pts), onset at birth (1pt), which together are highly specific for RPE65-related recessive retinopathy (15 points, PMID: 26626312, PP4_Moderate). In summary, this variant meets the criteria to be classified as Likely Pathogenic for RPE65-related recessive retinopathy based on the ACMG/AMP criteria applied, as specified by the ClinGen LCA/eoRD VCEP: PP3_Moderate, PP4_Moderate, PM5, PM2_Supporting, PM3_Supporting. (VCEP specifications version 1.0.0; date of approval 09/21/2023).

Blueprint Genetics
Classification: Pathogenic for RPE65-related disorders. Last evaluated: 2022-04-03. Review status: criteria provided, single submitter. Criteria: ACMG Guidelines, 2015. Collection method: clinical testing. Allele origin: germline. Affected: yes. Observed: 1 variant allele. Not counted in ClinVar's aggregate classification.